The following is an entry in ClinVar:

NM_006420.3(ARFGEF2):c.424-17G>A

Gene: ARFGEF2 (ARF guanine nucleotide exchange factor 2; plus strand). Cytogenetic location: 20q13.13.
Variant type: single nucleotide variant.
Coding change: c.424-17G>A on transcript NM_006420.3 (MANE Select); 17 bases into the intron before coding-DNA position 424, G replaced by A.
Molecular consequence: intron variant.
Genome position (GRCh38, 1-based): chr20:48,952,688, G>A. VCF-style: chr20-48952688-G-A. GRCh37 (hg19) VCF-style: chr20-47569225-G-A.
Identifiers: ClinVar variation 382225 (VCV000382225.11), dbSNP rs142971046, ClinGen allele CA9898159.

ClinVar aggregate classification (germline): Benign/Likely benign. Review status: criteria provided, multiple submitters, no conflicts (2 of 4 stars). 3 submissions from 3 submitters: Benign (1); Likely benign (2). Last evaluated 2025-10-27.

Allele frequency attached by ClinVar (database versions not stated): 1000 Genomes Project 0.00060; 1000 Genomes Project 30x 0.00062; TOPMed 0.00114; ESP Exome Variant Server 0.00138; ExAC 0.00151; gnomAD 0.00194 and 0.00200; gnomAD exomes 0.00194 and 0.00244.
gnomAD v4.1: 3,826 of 1,613,970 alleles (0.24%); highest among the groups gnomAD compares: Non-Finnish European, 0.25%; 16 homozygotes.

Submissions (3):

Labcorp Genetics (formerly Invitae), Labcorp
Classification: Benign. Last evaluated: 2025-10-27. Review status: criteria provided, single submitter. Criteria: Invitae Variant Classification Sherloc (09022015). Collection method: clinical testing. Allele origin: germline.

Blueprint Genetics
Classification: Likely benign. Last evaluated: 2024-11-20. Review status: criteria provided, single submitter. Criteria: ACMG Guidelines, 2015. Collection method: clinical testing. Allele origin: germline.

GeneDx
Classification: Likely benign. Last evaluated: 2017-02-08. Review status: criteria provided, single submitter. Criteria: GeneDx Variant Classification (06012015). Collection method: clinical testing. Allele origin: germline. Affected: yes.
Comment: This variant is considered likely benign or benign based on one or more of the following criteria: it is a conservative change, it occurs at a poorly conserved position in the protein, it is predicted to be benign by multiple in silico algorithms, and/or has population frequency not consistent with disease.